The following is an entry in ClinVar:

NM_004370.6(COL12A1):c.190+3A>G

Gene: COL12A1 (collagen type XII alpha 1 chain; minus strand). Cytogenetic location: 6q13.
Variant type: single nucleotide variant.
Coding change: c.190+3A>G on transcript NM_004370.6 (MANE Select); 3 bases into the intron after coding-DNA position 190, A replaced by G.
Molecular consequence: intron variant.
Genome position (GRCh38, 1-based): chr6:75,194,828, T>C on the plus strand (A>G on the coding strand, the complement: COL12A1 is on the minus strand). VCF-style: chr6-75194828-T-C. GRCh37 (hg19) VCF-style: chr6-75904544-T-C.
Other names: c.73+7892A>G (NM_080645.3).
Identifiers: ClinVar variation 1701509 (VCV001701509.31), dbSNP rs2149482645, ClinGen allele CA2580075811.

ClinVar aggregate classification (germline): Uncertain significance (1 of 4 stars; one submission).

Submission:

CeGaT Center for Human Genetics Tuebingen
Classification: Uncertain significance. Last evaluated: 2022-07-01. Review status: criteria provided, single submitter. Criteria: CeGaT Center For Human Genetics Tuebingen Variant Classification Criteria Version 2. Collection method: clinical testing. Allele origin: germline. Affected: yes. Observed: 1 variant allele.
Comment: COL12A1: PM2, BP4